The following is an entry in ClinVar:

ClinVar aggregate classification (germline): Uncertain significance (1 of 4 stars; one submission).

Conditions:
Epileptic encephalopathy. Identifiers: MedGen C0543888, HP:0200134.

Submission:

Labcorp Genetics (formerly Invitae), Labcorp
Classification: Uncertain significance for Epileptic encephalopathy. Last evaluated: 2024-02-02. Review status: criteria provided, single submitter. Criteria: Invitae Variant Classification Sherloc (09022015). Collection method: clinical testing. Allele origin: germline.
Comment: This sequence change replaces lysine, which is basic and polar, with glutamine, which is neutral and polar, at codon 2406 of the FASN protein (p.Lys2406Gln). This variant is not present in population databases (gnomAD no frequency). This variant has not been reported in the literature in individuals affected with FASN-related conditions. Algorithms developed to predict the effect of missense changes on protein structure and function output the following: SIFT: "Not Available"; PolyPhen-2: "Benign"; Align-GVGD: "Not Available". The glutamine amino acid residue is found in multiple mammalian species, which suggests that this missense change does not adversely affect protein function. In summary, the available evidence is currently insufficient to determine the role of this variant in disease. Therefore, it has been classified as a Variant of Uncertain Significance.

NM_004104.5(FASN):c.7216A>C (p.Lys2406Gln)

Genes: FASN (fatty acid synthase; minus strand), LOC129390948 (MPRA-validated peak3028 silencer; plus strand). Cytogenetic location: 17q25.3.
Variant type: single nucleotide variant.
Coding change: c.7216A>C on transcript NM_004104.5 (MANE Select); coding-DNA position 7216, A replaced by C.
Protein change: p.Lys2406Gln; replaces lysine 2406 with glutamine.
Molecular consequence: missense variant.
Genome position (GRCh38, 1-based): chr17:82,079,539, T>G on the plus strand (A>C on the coding strand, the complement: FASN is on the minus strand). VCF-style: chr17-82079539-T-G. GRCh37 (hg19) VCF-style: chr17-80037415-T-G.
Other names: short protein forms K2406Q.
Identifiers: ClinVar variation 3703055 (VCV003703055.2).
Genomic context (GRCh38, chr17:82,079,539, plus strand): 5'-TGTAGTAGAAGGACCGGGCCGCAAAGCTCAGCTCCTGGCGGTCCAGGCCCTGGTGGCTCT[T>G]GATGATCAGGTCCACGGCGGCTGCCACACGCTCCTCTAGGCCCTTCAGCGGCAGCAGCGC-3'
Protein context (NP_004095.4, residues 2396-2416): RVAAAVDLII[Lys2406Gln]SHQGLDRQEL